The following is an entry in ClinVar:

ClinVar aggregate classification (germline): Uncertain significance (1 of 4 stars; one submission).

Conditions:
Hereditary cancer-predisposing syndrome. Also called: Neoplastic Syndromes, Hereditary; Hereditary Cancer Syndrome; Hereditary neoplastic syndrome; Tumor predisposition. Identifiers: Orphanet 140162, MedGen C0027672, MeSH D009386, MONDO:0015356.

gnomAD v4.1: 3 of 1,614,014 alleles (0.00019%); highest among the groups gnomAD compares: African/African-American, 0.0013%; no homozygotes.

Submission:

Ambry Genetics
Classification: Uncertain significance for Hereditary cancer-predisposing syndrome. Last evaluated: 2025-05-29. Review status: criteria provided, single submitter. Criteria: Ambry Variant Classification Scheme 2023. Collection method: clinical testing. Allele origin: germline.
Comment: The p.P244S variant (also known as c.730C>T), located in coding exon 7 of the EPCAM gene, results from a C to T substitution at nucleotide position 730. The proline at codon 244 is replaced by serine, an amino acid with similar properties. This amino acid position is conserved. In addition, the in silico prediction for this alteration is inconclusive. Since supporting evidence is limited at this time, the clinical significance of this alteration remains unclear.

NM_002354.3(EPCAM):c.730C>T (p.Pro244Ser)

Gene: EPCAM (epithelial cell adhesion molecule; plus strand). Cytogenetic location: 2p21.
Variant type: single nucleotide variant.
Coding change: c.730C>T on transcript NM_002354.3 (MANE Select); coding-DNA position 730, C replaced by T.
Protein change: p.Pro244Ser; replaces proline 244 with serine.
Molecular consequence: missense variant.
Genome position (GRCh38, 1-based): chr2:47,379,841, C>T. VCF-style: chr2-47379841-C-T. GRCh37 (hg19) VCF-style: chr2-47606980-C-T.
Other names: short protein forms P244S.
Identifiers: ClinVar variation 2562280 (VCV002562280.3), dbSNP rs755757555, ClinGen allele CA346724477.